The following is an entry in ClinVar:

ClinVar aggregate classification (germline): Uncertain significance. Review status: criteria provided, multiple submitters, no conflicts (2 of 4 stars). 3 submissions from 3 submitters: Uncertain significance (3). Last evaluated 2025-10-05.

Conditions:
Premature ovarian failure 15. Identifiers: MedGen C4748170, MONDO:0054862, OMIM 618096.
Spermatogenic failure 28. Identifiers: MedGen C4748117, MONDO:0054732, OMIM 618086.
Inborn genetic diseases. Identifiers: MedGen C0950123, MeSH D030342.

Allele frequency attached by ClinVar (database versions not stated): ExAC 0.00001; gnomAD 0.00001; gnomAD exomes below 0.00001; TOPMed 0.00002.
gnomAD v4.1: 2 of 1,598,854 alleles (0.00013%); highest among the groups gnomAD compares: Admixed American, 0.0017%; no homozygotes.

Submissions (3):

Ambry Genetics
Classification: Uncertain significance for Inborn genetic diseases. Last evaluated: 2025-10-05. Review status: criteria provided, single submitter. Criteria: Ambry Variant Classification Scheme 2023. Collection method: clinical testing. Allele origin: germline.
Comment: The p.H369Y variant (also known as c.1105C>T), located in coding exon 6 of the FANCM gene, results from a C to T substitution at nucleotide position 1105. The histidine at codon 369 is replaced by tyrosine, an amino acid with similar properties. This amino acid position is conserved. In addition, the in silico prediction for this alteration is inconclusive. Based on the available evidence, the clinical significance of this variant remains unclear.

Fulgent Genetics
Classification: Uncertain significance for Spermatogenic failure 28; Premature ovarian failure 15. Last evaluated: 2024-01-25. Review status: criteria provided, single submitter. Criteria: ACMG Guidelines, 2015. Collection method: clinical testing. Allele origin: germline.

Quest Diagnostics Nichols Institute San Juan Capistrano
Classification: Uncertain significance. Last evaluated: 2022-10-19. Review status: criteria provided, single submitter. Criteria: Quest Diagnostics criteria. Collection method: clinical testing. Allele origin: unknown.
Comment: To the best of our knowledge, the variant has not been reported in the published literature. The frequency of this variant in the general population, 0.000008 (2/251346 chromosomes), is uninformative in assessment of its pathogenicity. Analysis of this variant using bioinformatics tools for the prediction of the effect of amino acid changes on protein structure and function yielded conflicting predictions that this variant is deleterious or benign. Based on the available information, we are unable to determine the clinical significance of this variant.

NM_020937.4(FANCM):c.1105C>T (p.His369Tyr)

Gene: FANCM (FA complementation group M; plus strand). Cytogenetic location: 14q21.2.
Variant type: single nucleotide variant.
Coding change: c.1105C>T on transcript NM_020937.4 (MANE Select); coding-DNA position 1105, C replaced by T.
Protein change: p.His369Tyr; replaces histidine 369 with tyrosine.
Molecular consequence: missense variant.
Genome position (GRCh38, 1-based): chr14:45,153,974, C>T. VCF-style: chr14-45153974-C-T. GRCh37 (hg19) VCF-style: chr14-45623177-C-T.
Other names: c.1027C>T, p.His343Tyr (NM_001308133.2); c.1105C>T, p.His369Tyr (NM_001308134.2); short protein forms H343Y, H369Y.
Identifiers: ClinVar variation 2681918 (VCV002681918.3), dbSNP rs773303797, ClinGen allele CA7168935.